The following is an entry in ClinVar:

ClinVar aggregate classification (germline): Conflicting classifications of pathogenicity. Review status: criteria provided, conflicting classifications (1 of 4 stars). 6 submissions from 6 submitters: Pathogenic (1); Likely pathogenic (3); Uncertain significance (2). Last evaluated 2025-09-02.

Conditions:
Hereditary cancer-predisposing syndrome. Also called: Neoplastic Syndromes, Hereditary; Hereditary Cancer Syndrome; Hereditary neoplastic syndrome; Tumor predisposition. Identifiers: Orphanet 140162, MedGen C0027672, MeSH D009386, MONDO:0015356.
Cardiovascular phenotype. Identifiers: MedGen CN230736.
Neurofibromatosis, type 1 (NF1). Also called: NEUROFIBROMATOSIS, TYPE I, SOMATIC; Peripheral type neurofibromatosis; VON RECKLINGHAUSEN DISEASE; Neurofibromatosis, type I. Identifiers: Orphanet 636, MedGen C0027831, MONDO:0018975, OMIM 162200. Disease mechanism: loss of function.

Submissions (6):

Labcorp Genetics (formerly Invitae), Labcorp
Classification: Pathogenic for Neurofibromatosis, type 1. Last evaluated: 2025-09-02. Review status: criteria provided, single submitter. Criteria: Invitae Variant Classification Sherloc (09022015). Collection method: clinical testing. Allele origin: germline.
Comment: This sequence change replaces glycine, which is neutral and non-polar, with aspartic acid, which is acidic and polar, at codon 1160 of the NF1 protein (p.Gly1160Asp). This variant is not present in population databases (gnomAD no frequency). This missense change has been observed in individual(s) with neurofibromatosis type 1 (PMID: 37751797; internal data). ClinVar contains an entry for this variant (Variation ID: 861799). Invitae Evidence Modeling of protein sequence and biophysical properties (such as structural, functional, and spatial information, amino acid conservation, physicochemical variation, residue mobility, and thermodynamic stability) indicates that this missense variant is expected to disrupt NF1 protein function with a positive predictive value of 95%. For these reasons, this variant has been classified as Pathogenic.

Quest Diagnostics Nichols Institute San Juan Capistrano
Classification: Uncertain significance. Last evaluated: 2025-01-02. Review status: criteria provided, single submitter. Criteria: Quest Diagnostics criteria. Collection method: clinical testing. Allele origin: unknown.

GeneDx
Classification: Likely pathogenic. Last evaluated: 2023-04-05. Review status: criteria provided, single submitter. Criteria: GeneDx Variant Classification Process June 2021. Collection method: clinical testing. Allele origin: germline. Affected: yes.
Comment: Not observed at significant frequency in large population cohorts (gnomAD); In silico analysis supports that this missense variant has a deleterious effect on protein structure/function; Has not been previously published as pathogenic or benign to our knowledge; This variant is associated with the following publications: (PMID: Martorana2022[CaseReport], 25486365, 2121369, 22807134)

Medical Genetics, University of Parma
Classification: Likely pathogenic for Neurofibromatosis, type 1. Last evaluated: 2022-08-17. Review status: criteria provided, single submitter. Criteria: ACMG Guidelines, 2015. Collection method: clinical testing. Allele origin: germline. Inheritance: Autosomal dominant inheritance. Affected: yes.

Ambry Genetics
Classification: Uncertain significance for Cardiovascular phenotype; Hereditary cancer-predisposing syndrome. Last evaluated: 2021-12-21. Review status: criteria provided, single submitter. Criteria: Ambry Variant Classification Scheme 2023. Collection method: clinical testing. Allele origin: germline.

Clinical Genetics Service, Universitary Hospital 12 de Octubre
Classification: Likely pathogenic for Neurofibromatosis, type 1. Review status: criteria provided, single submitter. Criteria: ACMG Guidelines, 2015. Collection method: clinical testing. Allele origin: germline. Affected: yes.

Literature cited by the submitters: PubMed 37751797 (cited by Labcorp Genetics (formerly Invitae), Labcorp).

NM_001042492.3(NF1):c.3479G>A (p.Gly1160Asp)

Gene: NF1 (neurofibromin 1; plus strand). Cytogenetic location: 17q11.2.
Variant type: single nucleotide variant.
Coding change: c.3479G>A on transcript NM_001042492.3 (MANE Select); coding-DNA position 3479, G replaced by A.
Protein change: p.Gly1160Asp; replaces glycine 1160 with aspartic acid.
Molecular consequence: missense variant.
Genome position (GRCh38, 1-based): chr17:31,232,864, G>A. VCF-style: chr17-31232864-G-A. GRCh37 (hg19) VCF-style: chr17-29559882-G-A.
Other names: c.3479G>A, p.Gly1160Asp (NM_000267.4); short protein forms G1160D.
Identifiers: ClinVar variation 861799 (VCV000861799.12), dbSNP rs2067138342, ClinGen allele CA398989431.